The following is an entry in ClinVar:

ClinVar aggregate classification (germline): Uncertain significance (1 of 4 stars; one submission).

Submission:

Labcorp Genetics (formerly Invitae), Labcorp
Classification: Uncertain significance. Last evaluated: 2024-12-02. Review status: criteria provided, single submitter. Criteria: Invitae Variant Classification Sherloc (09022015). Collection method: clinical testing. Allele origin: germline.
Comment: This variant, c.3397_3399del, results in the deletion of 1 amino acid(s) of the RNF213 protein (p.Gln1133del), but otherwise preserves the integrity of the reading frame. This variant is present in population databases (no rsID available, gnomAD 0.006%). This variant has not been reported in the literature in individuals affected with RNF213-related conditions. ClinVar contains an entry for this variant (Variation ID: 2717237). Experimental studies and prediction algorithms are not available or were not evaluated, and the functional significance of this variant is currently unknown. In summary, the available evidence is currently insufficient to determine the role of this variant in disease. Therefore, it has been classified as a Variant of Uncertain Significance.

NM_001256071.3(RNF213):c.3397_3399del (p.Gln1133del)

Gene: RNF213 (ring finger protein 213; plus strand). Cytogenetic location: 17q25.3.
Variant type: Deletion.
Coding change: c.3397_3399del on transcript NM_001256071.3 (MANE Select); coding-DNA positions 3397 to 3399, 3 bases deleted (CAA; older notation c.3397_3399delCAA).
Protein change: p.Gln1133del; deletes glutamine 1133.
Molecular consequence: inframe deletion.
Genome position (GRCh38, 1-based): chr17:80,328,357-80,328,359, CAA deleted; deleting any 3 consecutive bases within chr17:80,328,355-80,328,359 gives the same sequence; the c. name uses the placement nearest the transcript's 3' end. VCF-style (leftmost placement, unchanged base first): chr17-80328354-GAAC-G. GRCh37 (hg19) VCF-style: chr17-78302154-GAAC-G.
Other names: c.3544_3546del, p.Gln1182del (NM_001410195.1, NM_020914.5); short protein forms Q1182del, Q1133del.
Identifiers: ClinVar variation 2717237 (VCV002717237.3), dbSNP rs1241739558, ClinGen allele CA627717089.